The following is an entry in ClinVar:

NM_000038.6(APC):c.4475C>A (p.Ala1492Asp)

Gene: APC (APC regulator of Wnt signaling pathway; plus strand). Cytogenetic location: 5q22.2.
Variant type: single nucleotide variant.
Coding change: c.4475C>A on transcript NM_000038.6 (MANE Select); coding-DNA position 4475, C replaced by A.
Protein change: p.Ala1492Asp; replaces alanine 1492 with aspartic acid.
Molecular consequence: missense variant.
Genome position (GRCh38, 1-based): chr5:112,840,069, C>A. VCF-style: chr5-112840069-C-A. GRCh37 (hg19) VCF-style: chr5-112175766-C-A.
Other names: c.4475C>A, p.Ala1492Asp (NM_001127510.3, NM_001354895.2); c.4421C>A, p.Ala1474Asp (NM_001127511.3); c.4529C>A, p.Ala1510Asp (NM_001354896.2); c.4505C>A, p.Ala1502Asp (NM_001354897.2); c.4400C>A, p.Ala1467Asp (NM_001354898.2); c.4391C>A, p.Ala1464Asp (NM_001354899.2); c.4352C>A, p.Ala1451Asp (NM_001354900.2); c.4298C>A, p.Ala1433Asp (NM_001354901.2); and 5 more; short protein forms A1209D, A1332D, A1366D, A1391D, A1401D, A1433D, A1451D, A1464D.
Identifiers: ClinVar variation 1023798 (VCV001023798.14), dbSNP rs1401643874, ClinGen allele CA16031128.

ClinVar aggregate classification (germline): Conflicting classifications of pathogenicity. Review status: criteria provided, conflicting classifications (1 of 4 stars). 4 submissions from 4 submitters: Uncertain significance (3); Likely benign (1). Last evaluated 2025-08-09.

Conditions:
Hereditary cancer-predisposing syndrome. Also called: Hereditary Cancer Syndrome; Neoplastic Syndromes, Hereditary; Tumor predisposition; Hereditary neoplastic syndrome. Identifiers: Orphanet 140162, MedGen C0027672, MeSH D009386, MONDO:0015356.
Familial adenomatous polyposis 1 (FAP1). Also called: POLYPOSIS, ADENOMATOUS INTESTINAL; FAMILIAL ADENOMATOUS POLYPOSIS 1, ATTENUATED. Identifiers: MedGen C2713442, MONDO:0021056, OMIM 175100. Disease mechanism: loss of function.

Allele frequency attached by ClinVar (database versions not stated): TOPMed below 0.00001; gnomAD exomes 0.00001.
gnomAD v4.1: 3 of 1,614,034 alleles (0.00019%); highest among the groups gnomAD compares: African/African-American, 0.004%; no homozygotes.

Submissions (4):

Labcorp Genetics (formerly Invitae), Labcorp
Classification: Uncertain significance for Familial adenomatous polyposis 1. Last evaluated: 2025-08-09. Review status: criteria provided, single submitter. Criteria: Invitae Variant Classification Sherloc (09022015). Collection method: clinical testing. Allele origin: germline.
Comment: This sequence change replaces alanine, which is neutral and non-polar, with aspartic acid, which is acidic and polar, at codon 1492 of the APC protein (p.Ala1492Asp). This variant is present in population databases (no rsID available, gnomAD 0.01%). This variant has not been reported in the literature in individuals affected with APC-related conditions. ClinVar contains an entry for this variant (Variation ID: 1023798). Invitae Evidence Modeling of protein sequence and biophysical properties (such as structural, functional, and spatial information, amino acid conservation, physicochemical variation, residue mobility, and thermodynamic stability) indicates that this missense variant is not expected to disrupt APC protein function with a negative predictive value of 95%. In summary, the available evidence is currently insufficient to determine the role of this variant in disease. Therefore, it has been classified as a Variant of Uncertain Significance.

Ambry Genetics
Classification: Likely benign for Hereditary cancer-predisposing syndrome. Last evaluated: 2025-02-06. Review status: criteria provided, single submitter. Criteria: Ambry Variant Classification Scheme 2023. Collection method: clinical testing. Allele origin: germline.

Baylor Genetics
Classification: Uncertain significance for Familial adenomatous polyposis 1. Last evaluated: 2023-08-03. Review status: criteria provided, single submitter. Criteria: ACMG Guidelines, 2015. Collection method: clinical testing. Allele origin: unknown.

GeneDx
Classification: Uncertain significance. Last evaluated: 2019-11-25. Review status: criteria provided, single submitter. Criteria: GeneDx Variant Classification Process June 2021. Collection method: clinical testing. Allele origin: germline. Affected: yes.
Comment: In silico analysis, which includes protein predictors and evolutionary conservation, supports that this variant does not alter protein structure/function; Has not been previously published as pathogenic or benign to our knowledge; This variant is associated with the following publications: (PMID: 27121310)